The following is an entry in ClinVar:

NM_003754.3(EIF3F):c.31C>T (p.Pro11Ser)

Gene: EIF3F (eukaryotic translation initiation factor 3 subunit F; plus strand). Cytogenetic location: 11p15.4.
Variant type: single nucleotide variant.
Coding change: c.31C>T on transcript NM_003754.3 (MANE Select); coding-DNA position 31, C replaced by T.
Protein change: p.Pro11Ser; replaces proline 11 with serine.
Molecular consequence: missense variant.
Genome position (GRCh38, 1-based): chr11:7,987,383, C>T. VCF-style: chr11-7987383-C-T. GRCh37 (hg19) VCF-style: chr11-8008930-C-T.
Other names: short protein forms P11S.
Identifiers: ClinVar variation 3364452 (VCV003364452.1).

ClinVar aggregate classification (germline): Uncertain significance (1 of 4 stars; one submission).

gnomAD v4.1: 5 of 1,598,480 alleles (0.00031%); highest among the groups gnomAD compares: African/African-American, 0.0027%; no homozygotes.

Submission:

GeneDx
Classification: Uncertain significance. Last evaluated: 2023-11-16. Review status: criteria provided, single submitter. Criteria: GeneDx Variant Classification Process June 2021. Collection method: clinical testing. Allele origin: germline. Affected: yes.
Comment: In silico analysis supports that this missense variant does not alter protein structure/function; Has not been previously published as pathogenic or benign to our knowledge